The following is an entry in ClinVar:

NM_000388.4(CASR):c.197G>T (p.Arg66Leu)

Gene: CASR (calcium sensing receptor; plus strand). Cytogenetic location: 3q21.1.
Variant type: single nucleotide variant.
Coding change: c.197G>T on transcript NM_000388.4 (MANE Select); coding-DNA position 197, G replaced by T.
Protein change: p.Arg66Leu; replaces arginine 66 with leucine.
Molecular consequence: missense variant.
Genome position (GRCh38, 1-based): chr3:122,257,092, G>T. VCF-style: chr3-122257092-G-T. GRCh37 (hg19) VCF-style: chr3-121975939-G-T.
Other names: c.197G>T (NM_001178065.1); c.197G>T, p.Arg66Leu (NM_001178065.2); short protein forms R66L.
Identifiers: ClinVar variation 585620 (VCV000585620.13), dbSNP rs1276839362, ClinGen allele CA354362362.

ClinVar aggregate classification (germline): Uncertain significance. Review status: criteria provided, multiple submitters, no conflicts (2 of 4 stars). 4 submissions from 4 submitters: Uncertain significance (4). Last evaluated 2025-12-29.

Conditions:
Familial hypocalciuric hypercalcemia (FHH). Also called: Familial benign hypercalcemia. Identifiers: Orphanet 405, MedGen C1809471, MONDO:0018458.
Autosomal dominant hypocalcemia 1 (HYPOC1). Also called: HYPOCALCEMIA, FAMILIAL. Identifiers: MedGen C3715128, MONDO:0011013, OMIM 601198.
Nephrolithiasis/nephrocalcinosis. Identifiers: MedGen CN580796.
CASR-related disorder. Also called: CASR-related condition.

gnomAD v4.1: 1 of 1,613,928 alleles (0.000062%); highest among the groups gnomAD compares: Non-Finnish European, 0.000085%; no homozygotes.

Submissions (4):

PreventionGenetics, part of Exact Sciences
Classification: Uncertain significance for CASR-related condition. Last evaluated: 2025-12-29. Review status: criteria provided, single submitter. Criteria: ACMG Guidelines, 2015. Collection method: clinical testing. Allele origin: germline.
Comment: The CASR c.197G>T variant is predicted to result in the amino acid substitution p.Arg66Leu. To our knowledge, this variant has not been reported in the literature or in a large population database (gnomAD), indicating this variant is rare. Alternate missense changes at the same amino acid position (p.Arg66His, p.Arg66Cys) have been reported to be pathogenic for CASR-related conditions (see for example, Pidasheva et al. 2006. PubMed ID: 16740594; ClinVar Variation IDs: 8335, 650821). At this time, the clinical significance of the p.Arg66Leu variant is uncertain due to the absence of conclusive functional and genetic evidence.

Labcorp Genetics (formerly Invitae), Labcorp
Classification: Uncertain significance for Familial hypocalciuric hypercalcemia; Autosomal dominant hypocalcemia 1. Last evaluated: 2025-12-10. Review status: criteria provided, single submitter. Criteria: Invitae Variant Classification Sherloc (09022015). Collection method: clinical testing. Allele origin: germline.
Comment: This sequence change replaces arginine, which is basic and polar, with leucine, which is neutral and non-polar, at codon 66 of the CASR protein (p.Arg66Leu). This variant is not present in population databases (gnomAD no frequency). This variant has not been reported in the literature in individuals affected with CASR-related conditions. ClinVar contains an entry for this variant (Variation ID: 585620). An algorithm developed to predict the effect of missense changes on protein structure and function (PolyPhen-2) suggests that this variant is likely to be tolerated. This variant disrupts the p.Arg66 amino acid residue in CASR. Other variant(s) that disrupt this residue have been determined to be pathogenic (PMID: 16740594, 25104082). This suggests that this residue is clinically significant, and that variants that disrupt this residue are likely to be disease-causing. In summary, the available evidence is currently insufficient to determine the role of this variant in disease. Therefore, it has been classified as a Variant of Uncertain Significance.

Ambry Genetics
Classification: Uncertain significance for Nephrolithiasis/nephrocalcinosis. Last evaluated: 2022-08-18. Review status: criteria provided, single submitter. Criteria: Ambry Variant Classification Scheme 2023. Collection method: clinical testing. Allele origin: germline.
Comment: The p.R66L variant (also known as c.197G>T), located in coding exon 2 of the CASR gene, results from a G to T substitution at nucleotide position 197. The arginine at codon 66 is replaced by leucine, an amino acid with dissimilar properties. This amino acid position is highly conserved in available vertebrate species. In addition, this alteration is predicted to be deleterious by in silico analysis. Since supporting evidence is limited at this time, the clinical significance of this alteration remains unclear.

Athena Diagnostics
Classification: Uncertain significance. Last evaluated: 2018-05-03. Review status: criteria provided, single submitter. Criteria: Athena Diagnostics Criteria. Collection method: clinical testing. Allele origin: germline.

Literature cited by the submitters: PubMed 16740594 (cited by Labcorp Genetics (formerly Invitae), Labcorp); PubMed 25104082 (cited by Labcorp Genetics (formerly Invitae), Labcorp).